The following is an entry in ClinVar:

ClinVar aggregate classification (germline): Pathogenic/Likely pathogenic. Review status: criteria provided, multiple submitters, no conflicts (2 of 4 stars). 2 submissions from 2 submitters: Pathogenic (1); Likely pathogenic (1). Last evaluated 2025-08-12.

Conditions:
EFNB1-related disorder. Also called: EFNB1-related condition.
Craniofrontonasal syndrome (CFNS). Also called: CRANIOFRONTONASAL DYSOSTOSIS. Identifiers: Orphanet 1520, MedGen C0220767, MONDO:0010570, OMIM 304110.

Submissions (2):

3billion
Classification: Pathogenic for Craniofrontonasal syndrome. Last evaluated: 2025-08-12. Review status: criteria provided, single submitter. Criteria: ACMG Guidelines, 2015. Collection method: clinical testing. Allele origin: germline. Affected: yes.
Comment: The variant is not observed in the gnomAD v4.1.0 dataset. Predicted Consequence/Location: Stop-gained (nonsense): predicted to result in a loss or disruption of normal protein function through nonsense-mediated decay (NMD) or protein truncation. Multiple pathogenic variants are reported downstream of the variant. The variant has been reported to be associated with EFNB1-related disorder (ClinVar ID: VCV002631213 /PMID: 34174922). Therefore, this variant is classified as Pathogenic according to the recommendation of ACMG/AMP guideline.

PreventionGenetics, part of Exact Sciences
Classification: Likely pathogenic for EFNB1-related condition. Last evaluated: 2023-07-19. Review status: criteria provided, single submitter. Criteria: ACMG Guidelines, 2015. Collection method: clinical testing. Allele origin: germline.
Comment: The EFNB1 c.35G>A variant is predicted to result in premature protein termination (p.Trp12*). This variant has been previously reported in an individual with craniofrontonasal dysplasia syndrome (Patient 1 in Bukowska-Olech et al. 2021. PubMed ID: 34174922). This variant has not been reported in a large population database, indicating this variant is rare. Nonsense variants in EFNB1 are expected to be pathogenic. This variant is interpreted as likely pathogenic.

Literature cited by the submitters: PubMed 34174922 (cited by 3billion).

NM_004429.5(EFNB1):c.35G>A (p.Trp12Ter)

Gene: EFNB1 (ephrin B1; plus strand). Cytogenetic location: Xq13.1.
Variant type: single nucleotide variant.
Coding change: c.35G>A on transcript NM_004429.5 (MANE Select); coding-DNA position 35, G replaced by A.
Protein change: p.Trp12Ter; replaces tryptophan 12 with a stop codon.
Molecular consequence: nonsense.
Genome position (GRCh38, 1-based): chrX:68,829,811, G>A. VCF-style: chrX-68829811-G-A. GRCh37 (hg19) VCF-style: chrX-68049654-G-A.
Other names: short protein forms W12*.
Identifiers: ClinVar variation 2631213 (VCV002631213.2), dbSNP rs1482772814, ClinGen allele CA413437039.